The following is an entry in ClinVar:

NM_001999.4(FBN2):c.6256G>A (p.Gly2086Ser)

Gene: FBN2 (fibrillin 2; minus strand). Cytogenetic location: 5q23.3.
Variant type: single nucleotide variant.
Coding change: c.6256G>A on transcript NM_001999.4 (MANE Select); coding-DNA position 6256, G replaced by A.
Protein change: p.Gly2086Ser; replaces glycine 2086 with serine.
Molecular consequence: missense variant.
Genome position (GRCh38, 1-based): chr5:128,291,565, C>T on the plus strand (G>A on the coding strand, the complement: FBN2 is on the minus strand). VCF-style: chr5-128291565-C-T. GRCh37 (hg19) VCF-style: chr5-127627257-C-T.
Other names: short protein forms G2086S.
Identifiers: ClinVar variation 5021640 (VCV005021640.1).

ClinVar aggregate classification (germline): Uncertain significance (1 of 4 stars; one submission).

Conditions:
Familial thoracic aortic aneurysm and aortic dissection (TAAD). Also called: Thoracic aortic aneurysms and dissections. Identifiers: Orphanet 91387, MedGen C4707243, MONDO:0019625.

gnomAD v4.1: 1 of 1,613,968 alleles (0.000062%); highest among the groups gnomAD compares: African/African-American, 0.0013%; no homozygotes.

Submission:

Ambry Genetics
Classification: Uncertain significance for Familial thoracic aortic aneurysm and aortic dissection. Last evaluated: 2026-08-29. Review status: criteria provided, single submitter. Criteria: Ambry Variant Classification Scheme 2023. Collection method: clinical testing. Allele origin: germline.
Comment: The p.G2086S variant (also known as c.6256G>A), located in coding exon 49 of the FBN2 gene, results from a G to A substitution at nucleotide position 6256. The glycine at codon 2086 is replaced by serine, an amino acid with similar properties. This amino acid position is conserved. In addition, this alteration is predicted to be deleterious by in silico analysis. Based on the available evidence, the clinical significance of this variant remains unclear.